The following is an entry in ClinVar:

NM_130839.5(UBE3A):c.1753+1121C>A

Genes: SNHG14 (small nucleolar RNA host gene 14; plus strand), UBE3A (ubiquitin protein ligase E3A; minus strand). Cytogenetic location: 15q11.2.
Variant type: single nucleotide variant.
Coding change: c.1753+1121C>A on transcript NM_130839.5 (MANE Select); 1121 bases into the intron after coding-DNA position 1753, C replaced by A.
Molecular consequence: intron variant.
Genome position (GRCh38, 1-based): chr15:25,359,262, G>T on the plus strand (C>A on the coding strand, the complement: UBE3A is on the minus strand). VCF-style: chr15-25359262-G-T. GRCh37 (hg19) VCF-style: chr15-25604409-G-T.
Other names: c.1693+1121C>A (NM_001354541.2, NM_001354509.2, NM_001354540.2 and 17 more transcripts); c.1753+1121C>A (NM_001354538.2, NM_001354505.1, NM_001354545.2); c.1762+1121C>A (NM_000462.5); c.1576+1121C>A (NM_001354546.2); c.442+1121C>A (NM_001354551.2); c.502+1121C>A (NM_001354550.2).
Identifiers: ClinVar variation 1675557 (VCV001675557.33), dbSNP rs757526251, ClinGen allele CA267773914.

ClinVar aggregate classification (germline): Likely benign (1 of 4 stars; one submission).

Allele frequency attached by ClinVar (database versions not stated): gnomAD 0.00093 and 0.00097.
gnomAD v4.1: 139 of 152,170 alleles (0.091%); highest among the groups gnomAD compares: Non-Finnish European, 0.16%; 1 homozygote.

Submission:

CeGaT Center for Human Genetics Tuebingen
Classification: Likely benign. Last evaluated: 2023-04-01. Review status: criteria provided, single submitter. Criteria: CeGaT Center For Human Genetics Tuebingen Variant Classification Criteria Version 2. Collection method: clinical testing. Allele origin: germline. Affected: yes. Observed: 4 variant alleles.
Comment: UBE3A: BS1